The following is an entry in ClinVar:

ClinVar aggregate classification (germline): Uncertain significance (1 of 4 stars; one submission).

Conditions:
Ataxia-telangiectasia syndrome (AT). Also called: ATAXIA-TELANGIECTASIA, COMPLEMENTATION GROUP A; ATAXIA-TELANGIECTASIA, FRESNO VARIANT; Ataxia-telangiectasia; LOUIS-BAR SYNDROME; Cerebello-oculocutaneous telangiectasia; Immunodeficiency with ataxia telangiectasia. Identifiers: Orphanet 100, MedGen C0004135, MONDO:0008840, OMIM 208900.

Submission:

Labcorp Genetics (formerly Invitae), Labcorp
Classification: Uncertain significance for Ataxia-telangiectasia syndrome. Last evaluated: 2025-09-07. Review status: criteria provided, single submitter. Criteria: Invitae Variant Classification Sherloc (09022015). Collection method: clinical testing. Allele origin: germline.
Comment: This sequence change falls in intron 12 of the ATM gene. It does not directly change the encoded amino acid sequence of the ATM protein. This variant is not present in population databases (gnomAD no frequency). This variant has not been reported in the literature in individuals affected with ATM-related conditions. Algorithms developed to predict the effect of sequence changes on RNA splicing suggest that this variant may disrupt the consensus splice site. In summary, the available evidence is currently insufficient to determine the role of this variant in disease. Therefore, it has been classified as a Variant of Uncertain Significance.

NM_000051.4(ATM):c.1899-10T>C

Gene: ATM (ATM serine/threonine kinase; plus strand). Cytogenetic location: 11q22.3.
Variant type: single nucleotide variant.
Coding change: c.1899-10T>C on transcript NM_000051.4 (MANE Select); 10 bases into the intron before coding-DNA position 1899, T replaced by C.
Molecular consequence: intron variant.
Genome position (GRCh38, 1-based): chr11:108,253,804, T>C. VCF-style: chr11-108253804-T-C. GRCh37 (hg19) VCF-style: chr11-108124531-T-C.
Other names: c.1899-10T>C (NM_001351834.2).
Identifiers: ClinVar variation 4726761 (VCV004726761.1).
Genomic context (GRCh38, chr11:108,253,804, plus strand): 5'-TATTGCTAATACATATAAGGCAAAGCATTAGGTACTTGGTTTATATATTAAAGATCTTAC[T>C]TTCTTGAAGTGAACACCACCAAAAAGATAAAGAAGAACTTTCATTCTCAGAAGTAGAAGA-3'